The following is an entry in ClinVar:

ClinVar aggregate classification (germline): Pathogenic (1 of 4 stars; one submission).

Submission:

Labcorp Genetics (formerly Invitae), Labcorp
Classification: Pathogenic. Last evaluated: 2022-08-05. Review status: criteria provided, single submitter. Criteria: Invitae Variant Classification Sherloc (09022015). Collection method: clinical testing. Allele origin: germline.
Comment: This variant is not present in population databases (gnomAD no frequency). This variant has not been reported in the literature in individuals affected with PCDH15-related conditions. ClinVar contains an entry for this variant (Variation ID: 1360574). For these reasons, this variant has been classified as Pathogenic. This sequence change creates a premature translational stop signal (p.Pro719Leufs*21) in the PCDH15 gene. It is expected to result in an absent or disrupted protein product. Loss-of-function variants in PCDH15 are known to be pathogenic (PMID: 11398101, 11487575, 14570705).

Literature cited by the submitters: PubMed 11398101; PubMed 11487575; PubMed 14570705.

NM_001384140.1(PCDH15):c.2156del (p.Pro719fs)

Gene: PCDH15 (protocadherin related 15; minus strand). Cytogenetic location: 10q21.1.
Variant type: Deletion.
Coding change: c.2156del on transcript NM_001384140.1 (MANE Select); coding-DNA position 2156, one base deleted (C; older notation c.2156delC).
Protein change: p.Pro719fs; shifts the reading frame from proline 719.
Molecular consequence: frameshift variant.
Genome position (GRCh38, 1-based): chr10:54,066,821, G deleted on the plus strand (C on the coding strand, the reverse complement: PCDH15 is on the minus strand); the first of 2 consecutive G bases (chr10:54,066,821-54,066,822); deleting either gives the same sequence. VCF-style (leftmost placement, unchanged base first): chr10-54066820-AG-A. GRCh37 (hg19) VCF-style: chr10-55826580-AG-A.
Other names: c.2171del, p.Pro724fs (NM_001142763.2, NM_001142771.2); c.2156del, p.Pro719fs (NM_001142764.2, NM_001142766.2, NM_001142770.3 and 5 more transcripts); c.1943del, p.Pro648fs (NM_001142765.2); c.2045del, p.Pro682fs (NM_001142767.2); c.2090del, p.Pro697fs (NM_001142768.2, NM_001142773.2, NM_001354404.2); c.2191delC, p.Pro731Leufs (NM_001142769.4); c.2177del, p.Pro726fs (NM_001354411.2); short protein forms P697fs, P648fs, P682fs, P724fs, P731fs, P726fs, P719fs.
Identifiers: ClinVar variation 1360574 (VCV001360574.6), dbSNP rs2135810742, ClinGen allele CA2573145133.